The following is an entry in ClinVar:

ClinVar aggregate classification (germline): Uncertain significance. Review status: criteria provided, multiple submitters, no conflicts (2 of 4 stars). 3 submissions from 3 submitters: Uncertain significance (3). Last evaluated 2026-04-01.

Conditions:
Cardiovascular phenotype. Identifiers: MedGen CN230736.
RASopathy. Also called: Noonan spectrum disorder; rasopathies. Identifiers: Orphanet 536391, MedGen C5555857, MONDO:0021060.

Allele frequency attached by ClinVar (database versions not stated): TOPMed below 0.00001; ExAC 0.00001; gnomAD 0.00001 and below 0.00001; gnomAD exomes below 0.00001.
gnomAD v4.1: 7 of 1,613,990 alleles (0.00043%); highest among the groups gnomAD compares: South Asian, 0.0044%; no homozygotes.

Submissions (3):

Ambry Genetics
Classification: Uncertain significance for Cardiovascular phenotype. Last evaluated: 2026-04-01. Review status: criteria provided, single submitter. Criteria: Ambry Variant Classification Scheme 2023. Collection method: clinical testing. Allele origin: germline.
Comment: The p.V537I variant (also known as c.1609G>A), located in coding exon 14 of the RAF1 gene, results from a G to A substitution at nucleotide position 1609. The valine at codon 537 is replaced by isoleucine, an amino acid with highly similar properties. This amino acid position is highly conserved in available vertebrate species. In addition, this alteration is predicted to be deleterious by in silico analysis. Based on the available evidence, the clinical significance of this variant remains unclear.

Labcorp Genetics (formerly Invitae), Labcorp
Classification: Uncertain significance for RASopathy. Last evaluated: 2023-02-20. Review status: criteria provided, single submitter. Criteria: Invitae Variant Classification Sherloc (09022015). Collection method: clinical testing. Allele origin: germline.
Comment: Advanced modeling of protein sequence and biophysical properties (such as structural, functional, and spatial information, amino acid conservation, physicochemical variation, residue mobility, and thermodynamic stability) performed at Invitae indicates that this missense variant is expected to disrupt RAF1 protein function. ClinVar contains an entry for this variant (Variation ID: 856146). This variant has not been reported in the literature in individuals affected with RAF1-related conditions. This variant is present in population databases (rs751232720, gnomAD 0.0009%). This sequence change replaces valine, which is neutral and non-polar, with isoleucine, which is neutral and non-polar, at codon 537 of the RAF1 protein (p.Val537Ile). In summary, the available evidence is currently insufficient to determine the role of this variant in disease. Therefore, it has been classified as a Variant of Uncertain Significance.

GeneDx
Classification: Uncertain significance. Last evaluated: 2021-04-19. Review status: criteria provided, single submitter. Criteria: GeneDx Variant Classification Process June 2021. Collection method: clinical testing. Allele origin: germline. Affected: yes.
Comment: Has not been previously published as pathogenic or benign to our knowledge; Missense variants in this gene are often considered pathogenic (Stenson et al., 2014); In silico analysis supports that this missense variant does not alter protein structure/function

NM_002880.4(RAF1):c.1609G>A (p.Val537Ile)

Gene: RAF1 (Raf-1 proto-oncogene, serine/threonine kinase; minus strand). Cytogenetic location: 3p25.2.
Variant type: single nucleotide variant.
Coding change: c.1609G>A on transcript NM_002880.4 (MANE Select); coding-DNA position 1609, G replaced by A.
Protein change: p.Val537Ile; replaces valine 537 with isoleucine.
Molecular consequence: missense variant. On other transcripts: non-coding transcript variant (3).
Genome position (GRCh38, 1-based): chr3:12,585,181, C>T on the plus strand (G>A on the coding strand, the complement: RAF1 is on the minus strand). VCF-style: chr3-12585181-C-T. GRCh37 (hg19) VCF-style: chr3-12626680-C-T.
Other names: c.1669G>A, p.Val557Ile (NM_001354689.3); c.1609G>A, p.Val537Ile (NM_001354690.3); c.1366G>A, p.Val456Ile (NM_001354691.3, NM_001354692.3); c.1510G>A, p.Val504Ile (NM_001354693.3); c.1426G>A, p.Val476Ile (NM_001354694.3); c.1267G>A, p.Val423Ile (NM_001354695.3); short protein forms V537I, V423I, V456I, V476I, V504I, V557I.
Identifiers: ClinVar variation 856146 (VCV000856146.10), dbSNP rs751232720, ClinGen allele CA2259463.
Genomic context (GRCh38, chr3:12,585,181, plus strand): 5'-CCTGATCTCGGTTGTTGATGTGAGAATAAGGAAGCTCCCCCGTCATCAGTTCATACAATA[C>T]GATGCCATAGGAGTAGACATCCGACTGGAAACTGAATGGGTTGTTATCCTGCATTCGGAT-3'
Protein context (NP_002871.1, residues 527-547): FQSDVYSYGI[Val537Ile]LYELMTGELP